The following is an entry in ClinVar:

NC_000012.12:g.40408359A>G

Gene: MUC19 (mucin 19, oligomeric (gene/pseudogene); plus strand). Cytogenetic location: 12q12.
Variant type: single nucleotide variant.
Genome position: GRCh38 VCF-style: chr12-40408359-A-G. GRCh37 (hg19) VCF-style: chr12-40802161-A-G.
Identifiers: ClinVar variation 2642855 (VCV002642855.24), dbSNP rs143082493, ClinGen allele CA6515041.
Genomic context (GRCh38, chr12:40,408,359, plus strand): 5'-TGCTCCAGGAAAGGCTGAAGACAAGTCCGGAGACAGTCAGGATGCTGGAGGTTCAAAGTC[A>G]GAAGACACCCCACCAGGTACCGTTCCAGAAAAACATATGTACCTAGCAAGCAAGTGCTTT-3'

ClinVar aggregate classification (germline): Likely benign (1 of 4 stars; one submission).

Allele frequency attached by ClinVar (database versions not stated): 1000 Genomes Project 30x 0.00031; gnomAD exomes 0.00038; 1000 Genomes Project 0.00040; gnomAD 0.00058; TOPMed 0.00064; ExAC 0.00309.

Submission:

CeGaT Center for Human Genetics Tuebingen
Classification: Likely benign. Last evaluated: 2022-06-01. Review status: criteria provided, single submitter. Criteria: CeGaT Center For Human Genetics Tuebingen Variant Classification Criteria Version 2. Collection method: clinical testing. Allele origin: germline. Affected: yes. Observed: 1 variant allele.
Comment: MUC19: BP4, BP7